The following is an entry in ClinVar:

ClinVar aggregate classification (germline): Uncertain significance. Review status: criteria provided, multiple submitters, no conflicts (2 of 4 stars). 3 submissions from 3 submitters: Uncertain significance (2). 1 of the submissions does not count toward it. Last evaluated 2025-02-01.

Conditions:
Long QT syndrome (LQTS). Identifiers: MedGen C0023976, MeSH D008133, MONDO:0002442. Disease mechanism: loss of function. Inheritance: Various modes of inheritance.
Timothy syndrome (TS). Also called: LONG QT SYNDROME WITH SYNDACTYLY. Identifiers: Orphanet 65283, MedGen C1832916, MeSH C536962, MONDO:0010979, OMIM 601005.

Submissions (3):

CeGaT Center for Human Genetics Tuebingen
Classification: Uncertain significance. Last evaluated: 2025-02-01. Review status: criteria provided, single submitter. Criteria: CeGaT Center For Human Genetics Tuebingen Variant Classification Criteria Version 2. Collection method: clinical testing. Allele origin: germline. Affected: yes. Observed: 1 variant allele.
Comment: CACNA1C: PM2, PP2, PP3, PS4:Supporting

Labcorp Genetics (formerly Invitae), Labcorp
Classification: Uncertain significance for Long QT syndrome. Last evaluated: 2023-01-03. Review status: criteria provided, single submitter. Criteria: Invitae Variant Classification Sherloc (09022015). Collection method: clinical testing. Allele origin: germline.
Comment: This sequence change replaces glycine, which is neutral and non-polar, with arginine, which is basic and polar, at codon 1047 of the CACNA1C protein (p.Gly1047Arg). This variant is not present in population databases (gnomAD no frequency). This variant has not been reported in the literature in individuals affected with CACNA1C-related conditions. ClinVar contains an entry for this variant (Variation ID: 1008469). Advanced modeling of protein sequence and biophysical properties (such as structural, functional, and spatial information, amino acid conservation, physicochemical variation, residue mobility, and thermodynamic stability) performed at Invitae indicates that this missense variant is expected to disrupt CACNA1C protein function. In summary, the available evidence is currently insufficient to determine the role of this variant in disease. Therefore, it has been classified as a Variant of Uncertain Significance.

Curation Department, Healx
Classification: Likely pathogenic for Timothy syndrome. Last evaluated: 2023-09-13. Review status: no assertion criteria provided. Collection method: clinical testing. Allele origin: de novo. Inheritance: Autosomal dominant inheritance. Affected: yes. Not counted in ClinVar's aggregate classification.

NM_000719.7(CACNA1C):c.3139G>A (p.Gly1047Arg)

Gene: CACNA1C (calcium voltage-gated channel subunit alpha1 C; plus strand). Cytogenetic location: 12p13.33.
Variant type: single nucleotide variant.
Coding change: c.3139G>A on transcript NM_000719.7 (MANE Select); coding-DNA position 3139, G replaced by A.
Protein change: p.Gly1047Arg; replaces glycine 1047 with arginine.
Molecular consequence: missense variant.
Genome position (GRCh38, 1-based): chr12:2,605,769, G>A. VCF-style: chr12-2605769-G-A. GRCh37 (hg19) VCF-style: chr12-2714935-G-A.
Other names: c.3199G>A, p.Gly1067Arg (NM_001129827.2, NM_001129832.2, NM_199460.4); c.3139G>A, p.Gly1047Arg (NM_001129829.2, NM_001129830.3, NM_001129831.2 and 15 more transcripts); c.3139G>A (NM_000719.6); c.3130G>A, p.Gly1044Arg (NM_001129844.2); short protein forms G1044R, G1047R, G1067R.
Identifiers: ClinVar variation 1008469 (VCV001008469.24), dbSNP rs2075024622, ClinGen allele CA383374272.